The following is an entry in ClinVar:

NM_005045.4(RELN):c.4719G>A (p.Thr1573=)

Gene: RELN (reelin; minus strand). Cytogenetic location: 7q22.1.
Variant type: single nucleotide variant.
Coding change: c.4719G>A on transcript NM_005045.4 (MANE Select); coding-DNA position 4719, G replaced by A.
Protein change: p.Thr1573=; no amino-acid change (threonine 1573 retained).
Molecular consequence: synonymous variant.
Genome position (GRCh38, 1-based): chr7:103,566,629, C>T on the plus strand (G>A on the coding strand, the complement: RELN is on the minus strand). VCF-style: chr7-103566629-C-T. GRCh37 (hg19) VCF-style: chr7-103207076-C-T.
Other names: c.4719G>A, p.Thr1573= (NM_173054.3).
Identifiers: ClinVar variation 512747 (VCV000512747.40), dbSNP rs370566453, ClinGen allele CA4421431.

ClinVar aggregate classification (germline): Benign/Likely benign. Review status: criteria provided, multiple submitters, no conflicts (2 of 4 stars). 3 submissions from 3 submitters: Benign (1); Likely benign (2). Last evaluated 2023-08-29.

Conditions:
Norman-Roberts syndrome (LIS2). Also called: Lissencephaly 2 (Norman-Roberts type). Identifiers: Orphanet 89844, MedGen C0796089, MONDO:0009760, OMIM 257320.
Familial temporal lobe epilepsy 7. Identifiers: Orphanet 101046, MedGen C4225327, MONDO:0014639, OMIM 616436.

Allele frequency attached by ClinVar (database versions not stated): gnomAD 0.00001; TOPMed 0.00002; gnomAD exomes 0.00004; ExAC 0.00007; ESP Exome Variant Server 0.00008.
gnomAD v4.1: 55 of 1,614,044 alleles (0.0034%); highest among the groups gnomAD compares: South Asian, 0.013%; 1 homozygote.

Submissions (3):

Labcorp Genetics (formerly Invitae), Labcorp
Classification: Benign for Familial temporal lobe epilepsy 7; Norman-Roberts syndrome. Last evaluated: 2023-08-29. Review status: criteria provided, single submitter. Criteria: Invitae Variant Classification Sherloc (09022015). Collection method: clinical testing. Allele origin: germline.

CeGaT Center for Human Genetics Tuebingen
Classification: Likely benign. Last evaluated: 2021-02-01. Review status: criteria provided, single submitter. Criteria: CeGaT Center For Human Genetics Tuebingen Variant Classification Criteria Version 2. Collection method: clinical testing. Allele origin: germline. Affected: yes. Observed: 1 variant allele.

GeneDx
Classification: Likely benign. Last evaluated: 2017-10-24. Review status: criteria provided, single submitter. Criteria: GeneDx Variant Classification (06012015). Collection method: clinical testing. Allele origin: germline. Affected: yes.
Comment: This variant is considered likely benign or benign based on one or more of the following criteria: it is a conservative change, it occurs at a poorly conserved position in the protein, it is predicted to be benign by multiple in silico algorithms, and/or has population frequency not consistent with disease.